The following is an entry in ClinVar:

NM_020919.4(ALS2):c.2796C>T (p.Ser932=)

Gene: ALS2 (alsin Rho guanine nucleotide exchange factor ALS2; minus strand). Cytogenetic location: 2q33.1.
Variant type: single nucleotide variant.
Coding change: c.2796C>T on transcript NM_020919.4 (MANE Select); coding-DNA position 2796, C replaced by T.
Protein change: p.Ser932=; no amino-acid change (serine 932 retained).
Molecular consequence: synonymous variant.
Genome position (GRCh38, 1-based): chr2:201,728,557, G>A on the plus strand (C>T on the coding strand, the complement: ALS2 is on the minus strand). VCF-style: chr2-201728557-G-A. GRCh37 (hg19) VCF-style: chr2-202593280-G-A.
Other names: p.Ser932=.
Identifiers: ClinVar variation 261369 (VCV000261369.25), dbSNP rs3219161, ClinGen allele CA2058079.

ClinVar aggregate classification (germline): Benign. Review status: criteria provided, multiple submitters, no conflicts (2 of 4 stars). 12 submissions from 11 submitters: Benign (8). 4 of the submissions do not count toward it. Last evaluated 2026-02-04.

Conditions:
Amyotrophic lateral sclerosis type 2, juvenile. Also called: ALS, JUVENILE; Amyotrophic lateral sclerosis type 2. Identifiers: Orphanet 300605, MedGen C1859807, MONDO:0008780, OMIM 205100.
ALS2-related disorder. Also called: ALS2-Related Spectrum Disorders; ALS2-related condition; ALS2-related disorders. Identifiers: MedGen CN169291.
Infantile-onset ascending hereditary spastic paralysis (IAHSP). Also called: Infantile-Onset Ascending Hereditary Spastic Paralysis (IAHSP); Autosomal Recessive Juvenile Amyotrophic Lateral Sclerosis. Identifiers: Orphanet 293168, MedGen C2931441, MONDO:0011797, OMIM 607225. Disease mechanism: loss of function.

Allele frequency attached by ClinVar (database versions not stated): ESP Exome Variant Server 0.07648; TOPMed 0.08193; gnomAD 0.08298 and 0.08622; gnomAD exomes 0.09499 and 0.09593; ExAC 0.09785; 1000 Genomes Project 30x 0.11165; 1000 Genomes Project 0.11502.
gnomAD v4.1: 152,177 of 1,613,840 alleles (9.4%); highest among the groups gnomAD compares: East Asian, 25%; 8,091 homozygotes.

Submissions (12):

Labcorp Genetics (formerly Invitae), Labcorp
Classification: Benign for Infantile-onset ascending hereditary spastic paralysis. Last evaluated: 2026-02-04. Review status: criteria provided, single submitter. Criteria: Invitae Variant Classification Sherloc (09022015). Collection method: clinical testing. Allele origin: germline.

Athena Diagnostics
Classification: Benign. Last evaluated: 2019-10-01. Review status: criteria provided, single submitter. Criteria: Athena Diagnostics Criteria. Collection method: clinical testing. Allele origin: unknown.

GeneDx
Classification: Benign. Last evaluated: 2018-07-17. Review status: criteria provided, single submitter. Criteria: GeneDx Variant Classification Process June 2021. Collection method: clinical testing. Allele origin: germline. Affected: yes.

Illumina Laboratory Services, Illumina
Classification: Benign for ALS2-Related Disorders. Last evaluated: 2018-01-13. Review status: criteria provided, single submitter. Criteria: ICSL Variant Classification Criteria 13 December 2019. Collection method: clinical testing. Allele origin: germline.
Comment: This variant was observed in the ICSL laboratory as part of a predisposition screen in an ostensibly healthy population. It had not been previously curated by ICSL or reported in the Human Gene Mutation Database (HGMD: prior to June 1st, 2018), and was therefore a candidate for classification through an automated scoring system. Utilizing variant allele frequency, disease prevalence and penetrance estimates, and inheritance mode, an automated score was calculated to assess if this variant is too frequent to cause the disease. Based on the score and internal cut-off values, a variant classified as benign is not then subjected to further curation. The score for this variant resulted in a classification of benign for this disease.

Illumina Laboratory Services, Illumina
Classification: Benign for Amyotrophic lateral sclerosis type 2. Last evaluated: 2018-01-13. Review status: criteria provided, single submitter. Criteria: ICSL Variant Classification Criteria 13 December 2019. Collection method: clinical testing. Allele origin: germline.
Comment: the same text as in the submission from Illumina Laboratory Services, Illumina above.

Mayo Clinic Laboratories, Mayo Clinic
Classification: Benign. Last evaluated: 2017-07-20. Review status: criteria provided, single submitter. Criteria: ACMG Guidelines, 2015. Collection method: clinical testing. Allele origin: germline. Observed: 232 variant alleles.

Breakthrough Genomics
Classification: Benign. Review status: criteria provided, single submitter. Criteria: ACMG Guidelines, 2015. Collection method: not provided. Allele origin: germline. Inheritance: Autosomal recessive inheritance. Affected: yes.

PreventionGenetics, part of Exact Sciences
Classification: Benign. Review status: criteria provided, single submitter. Criteria: ACMG Guidelines, 2015. Collection method: clinical testing. Allele origin: germline.

Clinical Genetics DNA and cytogenetics Diagnostics Lab, Erasmus MC, Erasmus Medical Center
Classification: Benign. Review status: no assertion criteria provided. Collection method: clinical testing. Allele origin: germline. Affected: yes. Study: VKGL Data-share Consensus. Not counted in ClinVar's aggregate classification.

Clinical Genetics, Academic Medical Center
Classification: Benign. Review status: no assertion criteria provided. Collection method: clinical testing. Allele origin: germline. Affected: yes. Study: VKGL Data-share Consensus. Not counted in ClinVar's aggregate classification.

Genome Diagnostics Laboratory, Amsterdam University Medical Center
Classification: Benign. Review status: no assertion criteria provided. Collection method: clinical testing. Allele origin: germline. Affected: yes. Study: VKGL Data-share Consensus. Not counted in ClinVar's aggregate classification.

Joint Genome Diagnostic Labs from Nijmegen and Maastricht, Radboudumc and MUMC+
Classification: Benign. Review status: no assertion criteria provided. Collection method: clinical testing. Allele origin: germline. Affected: yes. Study: VKGL Data-share Consensus. Not counted in ClinVar's aggregate classification.